The following is an entry in ClinVar:

ClinVar aggregate classification (germline): Likely benign (0 of 4 stars; one submission).

Conditions:
ELMO2-related disorder. Also called: ELMO2-related condition.

gnomAD v4.1: 33 of 1,613,718 alleles (0.002%); highest among the groups gnomAD compares: South Asian, 0.018%; no homozygotes.

Submission:

PreventionGenetics, part of Exact Sciences
Classification: Likely benign for ELMO2-related condition. Last evaluated: 2019-03-07. Review status: no assertion criteria provided. Collection method: clinical testing. Allele origin: germline.
Comment: This variant is classified as likely benign based on ACMG/AMP sequence variant interpretation guidelines (Richards et al. 2015 PMID: 25741868, with internal and published modifications).

NM_133171.5(ELMO2):c.1171-6C>T

Gene: ELMO2 (engulfment and cell motility 2; minus strand). Cytogenetic location: 20q13.12.
Variant type: single nucleotide variant.
Coding change: c.1171-6C>T on transcript NM_133171.5 (MANE Select); 6 bases into the intron before coding-DNA position 1171, C replaced by T.
Molecular consequence: intron variant.
Genome position (GRCh38, 1-based): chr20:46,374,446, G>A on the plus strand (C>T on the coding strand, the complement: ELMO2 is on the minus strand). VCF-style: chr20-46374446-G-A. GRCh37 (hg19) VCF-style: chr20-45003085-G-A.
Other names: c.1171-6C>T (NM_182764.3); c.907-6C>T (NM_001318253.2).
Identifiers: ClinVar variation 3046844 (VCV003046844.2), dbSNP rs370004074, ClinGen allele CA9890118.
Genomic context (GRCh38, chr20:46,374,446, plus strand): 5'-TGCGGCCAAAGGGGCATTCATGTTTGTCTTCCCGGCTACTGTTCTCCAAGACAATCTGTC[G>A]GGGGAAGAGAAAGGGAGGATTAGGGAGATGAAGGAGGAAGGCAGGAGATGTGGCACCAGG-3'